The following is an entry in ClinVar:

NM_001142966.3(GREB1L):c.2556G>A (p.Gly852=)

Gene: GREB1L (GREB1 like retinoic acid receptor coactivator; plus strand). Cytogenetic location: 18q11.1.
Variant type: single nucleotide variant.
Coding change: c.2556G>A on transcript NM_001142966.3 (MANE Select); coding-DNA position 2556, G replaced by A.
Protein change: p.Gly852=; no amino-acid change (glycine 852 retained).
Molecular consequence: synonymous variant.
Genome position (GRCh38, 1-based): chr18:21,477,356, G>A. VCF-style: chr18-21477356-G-A. GRCh37 (hg19) VCF-style: chr18-19057317-G-A.
Other names: c.2685G>A, p.Gly895= (NM_001410867.1); c.2229G>A, p.Gly743= (NM_001410868.1).
Identifiers: ClinVar variation 5020025 (VCV005020025.1).
Genomic context (GRCh38, chr18:21,477,356, plus strand): 5'-GACCCAACAGTCCCGCATTAGCTCTAGCAATGAGGTTCACTGGATACAGCTGGATACTGG[G>A]GTGAGTCTCTTGCCTGCTGTCTGATACACTGTCATGTTCTCAGTTCCCAAGAGGGTAGGA-3'
Protein context (NP_001136438.1, residues 842-862): NEVHWIQLDT[Gly852=]EDVGCEEKLY

ClinVar aggregate classification (germline): Uncertain significance (1 of 4 stars; one submission).

Conditions:
Hearing loss, autosomal dominant 80. Also called: DEAFNESS, AUTOSOMAL DOMINANT 80. Identifiers: MedGen C5543289, MONDO:0030998, OMIM 619274.
Renal hypodysplasia/aplasia 3 (RHDA3). Identifiers: MedGen C4540497, MONDO:0024520, OMIM 617805.

Submission:

Juno Genomics, Hangzhou Juno Genomics, Inc
Classification: Uncertain significance for Hearing loss, autosomal dominant 80; Renal hypodysplasia/aplasia 3. Review status: criteria provided, single submitter. Criteria: ACMG Guidelines, 2015. Collection method: clinical testing. Allele origin: germline. Affected: yes.
Comment: Absent from controls (or at extremely low frequency if recessive) in Genome Aggregation Database.;Multiple lines of computational evidence support a deleterious effect on the gene or gene product.;Patient's phenotype or family history is highly specific for a disease with a single genetic etiology.